The following is an entry in ClinVar:

NM_001042492.3(NF1):c.6484del (p.Tyr2162fs)

Gene: NF1 (neurofibromin 1; plus strand). Cytogenetic location: 17q11.2.
Variant type: Deletion.
Coding change: c.6484del on transcript NM_001042492.3 (MANE Select); coding-DNA position 6484, one base deleted (T; older notation c.6484delT).
Protein change: p.Tyr2162fs; shifts the reading frame from tyrosine 2162.
Molecular consequence: frameshift variant.
Genome position (GRCh38, 1-based): chr17:31,337,424, T deleted; the last of 4 consecutive T bases (chr17:31,337,421-31,337,424); deleting any one gives the same sequence. VCF-style (leftmost placement, unchanged base first): chr17-31337420-AT-A. GRCh37 (hg19) VCF-style: chr17-29664438-AT-A.
Other names: c.6421delT, p.Tyr2141Thrfs (NM_000267.4); c.6421delT (NM_000267.3); short protein forms Y2141fs, Y2162fs.
Identifiers: ClinVar variation 1457193 (VCV001457193.4), dbSNP rs2151556124, ClinGen allele CA2573153837.

ClinVar aggregate classification (germline): Pathogenic (1 of 4 stars; one submission).

Conditions:
Cardiovascular phenotype. Identifiers: MedGen CN230736.
Hereditary cancer-predisposing syndrome. Also called: Neoplastic Syndromes, Hereditary; Hereditary Cancer Syndrome; Hereditary neoplastic syndrome; Tumor predisposition. Identifiers: Orphanet 140162, MedGen C0027672, MeSH D009386, MONDO:0015356.

Submission:

Ambry Genetics
Classification: Pathogenic for Cardiovascular phenotype; Hereditary cancer-predisposing syndrome. Last evaluated: 2025-10-10. Review status: criteria provided, single submitter. Criteria: Ambry Variant Classification Scheme 2023. Collection method: clinical testing. Allele origin: germline.
Comment: The c.6421delT pathogenic mutation, located in coding exon 42 of the NF1 gene, results from a deletion of one nucleotide at nucleotide position 6421, causing a translational frameshift with a predicted alternate stop codon (p.Y2141Tfs*38). This variant was reported in individual(s) with features consistent with Neurofibromatosis type 1 (Ambry internal data). This variant is considered to be rare based on population cohorts in the Genome Aggregation Database (gnomAD). This alteration is expected to result in loss of function by premature protein truncation or nonsense-mediated mRNA decay. As such, this alteration is interpreted as a disease-causing mutation.